The following is an entry in ClinVar:

ClinVar aggregate classification (germline): Conflicting classifications of pathogenicity. Review status: criteria provided, conflicting classifications (1 of 4 stars). 3 submissions from 3 submitters: Uncertain significance (2); Likely benign (1). Last evaluated 2024-05-29.

Conditions:
Hereditary cancer-predisposing syndrome. Also called: Neoplastic Syndromes, Hereditary; Hereditary Cancer Syndrome; Tumor predisposition; Hereditary neoplastic syndrome. Identifiers: Orphanet 140162, MedGen C0027672, MeSH D009386, MONDO:0015356.
Hereditary breast ovarian cancer syndrome. Also called: Breast and ovarian cancer; Hereditary breast and ovarian cancer; Hereditary breast and ovarian cancer syndrome; Hereditary breast and ovarian cancer syndrome (HBOC); BRCA1- and BRCA2-Associated Hereditary Breast and Ovarian Cancer; Hereditary breast and/or ovarian cancer syndrome. Identifiers: Orphanet 145, MedGen C0677776, MeSH D061325, MONDO:0003582. Disease mechanism: loss of function.

Allele frequency attached by ClinVar (database versions not stated): gnomAD exomes below 0.00001.
gnomAD v4.1: 2 of 1,614,014 alleles (0.00012%); highest among the groups gnomAD compares: East Asian, 0.0022%; no homozygotes.

Submissions (3):

Labcorp Genetics (formerly Invitae), Labcorp
Classification: Uncertain significance for Hereditary breast ovarian cancer syndrome. Last evaluated: 2024-05-29. Review status: criteria provided, single submitter. Criteria: Invitae Variant Classification Sherloc (09022015). Collection method: clinical testing. Allele origin: germline.
Comment: This sequence change replaces glutamic acid, which is acidic and polar, with lysine, which is basic and polar, at codon 1571 of the BRCA2 protein (p.Glu1571Lys). This variant is not present in population databases (gnomAD no frequency). This variant has not been reported in the literature in individuals affected with BRCA2-related conditions. ClinVar contains an entry for this variant (Variation ID: 1473651). Advanced modeling of protein sequence and biophysical properties (such as structural, functional, and spatial information, amino acid conservation, physicochemical variation, residue mobility, and thermodynamic stability) performed at Invitae indicates that this missense variant is not expected to disrupt BRCA2 protein function with a negative predictive value of 95%. In summary, the available evidence is currently insufficient to determine the role of this variant in disease. Therefore, it has been classified as a Variant of Uncertain Significance.

University of Washington Department of Laboratory Medicine, University of Washington
Classification: Likely benign for Hereditary cancer-predisposing syndrome. Last evaluated: 2023-03-23. Review status: criteria provided, single submitter. Criteria: Dines et al. (Genet Med. 2020). Collection method: curation. Allele origin: germline.
Comment: Missense variant in a coldspot region where missense variants are very unlikely to be pathogenic (PMID:31911673).

BRCA2 exon 11 coldspot. Reclassification based on statistical prior probability.

Ambry Genetics
Classification: Uncertain significance for Hereditary cancer-predisposing syndrome. Last evaluated: 2022-03-28. Review status: criteria provided, single submitter. Criteria: Ambry Variant Classification Scheme 2023. Collection method: clinical testing. Allele origin: germline.
Comment: The p.E1571K variant (also known as c.4711G>A), located in coding exon 10 of the BRCA2 gene, results from a G to A substitution at nucleotide position 4711. The glutamic acid at codon 1571 is replaced by lysine, an amino acid with similar properties. This amino acid position is not well conserved in available vertebrate species. In addition, this alteration is predicted to be tolerated by in silico analysis. Since supporting evidence is limited at this time, the clinical significance of this alteration remains unclear.

NM_000059.4(BRCA2):c.4711G>A (p.Glu1571Lys)

Gene: BRCA2 (BRCA2 DNA repair associated; plus strand). Cytogenetic location: 13q13.1.
Variant type: single nucleotide variant.
Coding change: c.4711G>A on transcript NM_000059.4 (MANE Select); coding-DNA position 4711, G replaced by A.
Protein change: p.Glu1571Lys; replaces glutamic acid 1571 with lysine.
Molecular consequence: missense variant.
Genome position (GRCh38, 1-based): chr13:32,339,066, G>A. VCF-style: chr13-32339066-G-A. GRCh37 (hg19) VCF-style: chr13-32913203-G-A.
Other names: short protein forms E1571K.
Identifiers: ClinVar variation 1473651 (VCV001473651.9), dbSNP rs2137509353, ClinGen allele CA387782935.